The following is an entry in ClinVar:

ClinVar aggregate classification (germline): Benign (0 of 4 stars; one submission).

Conditions:
ZFHX2-related disorder. Also called: ZFHX2-related condition.

Allele frequency attached by ClinVar (database versions not stated): ExAC 0.00192; 1000 Genomes Project 0.01158; 1000 Genomes Project 30x 0.01202.
gnomAD v4.1: 3,073 of 1,536,310 alleles (0.2%); highest among the groups gnomAD compares: African/African-American, 3.5%; 50 homozygotes.

Submission:

PreventionGenetics, part of Exact Sciences
Classification: Benign for ZFHX2-related condition. Last evaluated: 2020-01-03. Review status: no assertion criteria provided. Collection method: clinical testing. Allele origin: germline.
Comment: This variant is classified as benign based on ACMG/AMP sequence variant interpretation guidelines (Richards et al. 2015 PMID: 25741868, with internal and published modifications).

NM_033400.3(ZFHX2):c.6210C>A (p.Thr2070=)

Genes: THTPA (thiamine triphosphatase; plus strand), ZFHX2 (zinc finger homeobox 2; minus strand). Cytogenetic location: 14q11.2.
Variant type: single nucleotide variant.
Coding change: c.6210C>A on transcript NM_033400.3 (MANE Select); coding-DNA position 6210, C replaced by A.
Protein change: p.Thr2070=; no amino-acid change (threonine 2070 retained).
Molecular consequence: synonymous variant.
Genome position (GRCh38, 1-based): chr14:23,523,732, G>T on the plus strand (C>A on the coding strand, the complement: ZFHX2 is on the minus strand). VCF-style: chr14-23523732-G-T. GRCh37 (hg19) VCF-style: chr14-23992941-G-T.
Identifiers: ClinVar variation 3042835 (VCV003042835.2), dbSNP rs116693907, ClinGen allele CA7116848.
Genomic context (GRCh38, chr14:23,523,732, plus strand): 5'-GGGGGTGCGGTAAGCTTCATAGCAGGCTTTCATGATCTTCAGCTGCAGGCTGCTCATCTG[G>T]GTCCTGTAGCGCCGCTGCCCCATTCCATCTGGAACCCCAGTCCCACCTCCAGGTCCCCCA-3'
Protein context (NP_207646.2, residues 2060-2080): PDGMGQRRYR[Thr2070=]QMSSLQLKIM